The following is an entry in ClinVar:

ClinVar aggregate classification (germline): Likely pathogenic (1 of 4 stars; one submission).

Conditions:
Familial intrahepatic cholestasis. Identifiers: Orphanet 284385, MedGen CN296401, MONDO:0017290.

Submission:

Genomenon, Inc
Classification: Likely pathogenic for Familial intrahepatic cholestasis. Last evaluated: 2026-04-14. Review status: criteria provided, single submitter. Criteria: Genomenon Sequence Variant Interpretation Standards - Updated. Collection method: curation. Allele origin: germline. Affected: yes.
Comment: ABCB11 p.Arg1153Leu (c.3458G>T) is a missense variant that changes the amino acid at residue 1153 from Arginine to Leucine. This variant has been observed in at least one proband with an ABCB11-related disorder (PMID:37471416). It has been observed in trans with a pathogenic or likely pathogenic variant (PMID:37471416). The presence of pathogenic or likely pathogenic missense variant(s) at the same amino acid position indicates that this residue is likely important for protein function. It is absent or not present at a significant frequency in gnomAD. In silico models predict that this variant is possibly or probably damaging. In conclusion, we classify ABCB11 p.Arg1153Leu (c.3458G>T) as a likely pathogenic variant.

Literature cited by the submitters: PubMed 37471416.

NM_003742.4(ABCB11):c.3458G>T (p.Arg1153Leu)

Gene: ABCB11 (ATP binding cassette subfamily B member 11; minus strand). Cytogenetic location: 2q31.1.
Variant type: single nucleotide variant.
Coding change: c.3458G>T on transcript NM_003742.4 (MANE Select); coding-DNA position 3458, G replaced by T.
Protein change: p.Arg1153Leu; replaces arginine 1153 with leucine.
Molecular consequence: missense variant.
Genome position (GRCh38, 1-based): chr2:168,927,316, C>A on the plus strand (G>T on the coding strand, the complement: ABCB11 is on the minus strand). VCF-style: chr2-168927316-C-A. GRCh37 (hg19) VCF-style: chr2-169783826-C-A.
Other names: short protein forms R1153L.
Identifiers: ClinVar variation 4846144 (VCV004846144.1).